The following is an entry in ClinVar:

ClinVar aggregate classification (germline): Uncertain significance (1 of 4 stars; one submission).

Conditions:
Histiocytic medullary reticulosis. Also called: SEVERE COMBINED IMMUNODEFICIENCY WITH HYPEREOSINOPHILIA; Omenn syndrome. Identifiers: Orphanet 39041, MedGen C2700553, MONDO:0011338, OMIM 603554.

gnomAD v4.1: 2 of 1,614,064 alleles (0.00012%); highest among the groups gnomAD compares: Non-Finnish European, 0.00017%; no homozygotes.

Submission:

3billion
Classification: Uncertain significance for Histiocytic medullary reticulosis. Last evaluated: 2025-09-02. Review status: criteria provided, single submitter. Criteria: ACMG Guidelines, 2015. Collection method: clinical testing. Allele origin: germline. Affected: yes.
Comment: The variant is observed at an extremely low frequency in the gnomAD v4.1.0 dataset (total allele frequency: <0.001%). Predicted Consequence/Location: Canonical splice site: predicted to alter splicing and result in a loss or disruption of normal protein function. The predicted truncated protein may be shortened by less than 10%. In silico tools predict the variant to alter splicing and produce an abnormal transcript [SpliceAI: 0.99 (spliceogenicity >=0.2, non-spliceogenicity <0.1)]. Therefore, this variant is classified as VUS according to the recommendation of ACMG/AMP guideline.

NM_000448.3(RAG1):c.-14-2A>G

Gene: RAG1 (recombination activating 1; plus strand). Cytogenetic location: 11p12.
Variant type: single nucleotide variant.
Coding change: c.-14-2A>G on transcript NM_000448.3 (MANE Select); the canonical splice acceptor site of the intron before 14 bases upstream of the start codon, A replaced by G.
Molecular consequence: splice acceptor variant.
Genome position (GRCh38, 1-based): chr11:36,573,289, A>G. VCF-style: chr11-36573289-A-G. GRCh37 (hg19) VCF-style: chr11-36594839-A-G.
Other names: c.-14-2A>G (NM_001440489.1, NM_001377277.1, NM_001377278.1 and 3 more transcripts).
Identifiers: ClinVar variation 4854035 (VCV004854035.1).